The following is an entry in ClinVar:

ClinVar aggregate classification (germline): Likely pathogenic (1 of 4 stars; one submission).

Conditions:
Primary ciliary dyskinesia 3. Identifiers: Orphanet 244, MedGen C1837618, MONDO:0012085, OMIM 608644.

Submission:

Myriad Genetics, Inc.
Classification: Likely pathogenic for Primary ciliary dyskinesia 3. Last evaluated: 2022-03-14. Review status: criteria provided, single submitter. Criteria: Myriad Women's Health Autosomal Recessive and X-Linked Classification Criteria (2021). Collection method: clinical testing. Allele origin: unknown.
Comment: NM_001369.2(DNAH5):c.7677T>A(Y2559*) is expected to be pathogenic in the context of DNAH5-related primary ciliary dyskinesia. This variant is predicted to lead to an abnormal or absent protein product due to the creation of a premature termination codon in DNAH5, a gene where loss-of-function variants are known to be pathogenic. Please note: this variant was assessed in the context of healthy population screening.

NM_001369.3(DNAH5):c.7677T>A (p.Tyr2559Ter)

Gene: DNAH5 (dynein axonemal heavy chain 5; minus strand). Cytogenetic location: 5p15.2.
Variant type: single nucleotide variant.
Coding change: c.7677T>A on transcript NM_001369.3 (MANE Select); coding-DNA position 7677, T replaced by A.
Protein change: p.Tyr2559Ter; replaces tyrosine 2559 with a stop codon.
Molecular consequence: nonsense.
Genome position (GRCh38, 1-based): chr5:13,809,119, A>T on the plus strand (T>A on the coding strand, the complement: DNAH5 is on the minus strand). VCF-style: chr5-13809119-A-T. GRCh37 (hg19) VCF-style: chr5-13809228-A-T.
Other names: short protein forms Y2559*.
Identifiers: ClinVar variation 1725218 (VCV001725218.2), dbSNP rs2546800840, ClinGen allele CA359230798.